The following is an entry in ClinVar:

NM_000236.3(LIPC):c.1315T>A (p.Trp439Arg)

Gene: LIPC (lipase C, hepatic type; plus strand). Cytogenetic location: 15q21.3.
Variant type: single nucleotide variant.
Coding change: c.1315T>A on transcript NM_000236.3 (MANE Select); coding-DNA position 1315, T replaced by A.
Protein change: p.Trp439Arg; replaces tryptophan 439 with arginine.
Molecular consequence: missense variant.
Genome position (GRCh38, 1-based): chr15:58,563,650, T>A. VCF-style: chr15-58563650-T-A. GRCh37 (hg19) VCF-style: chr15-58855849-T-A.
Other names: short protein forms W439R.
Identifiers: ClinVar variation 1706158 (VCV001706158.5), dbSNP rs373806357, ClinGen allele CA7585193.
Genomic context (GRCh38, chr15:58,563,650, plus strand): 5'-AAGTGGGAAAACAGTGCAGTGTGGGCCAATGTCTGGGACACGGTCCAGACCATCATCCCA[T>A]GGAGCACAGGGCCGCGCCACTCAGGCCTCGTTCTGAAGACGATCAGAGTCAAAGCAGGAG-3'
Protein context (NP_000227.2, residues 429-449): VWDTVQTIIP[Trp439Arg]STGPRHSGLV

ClinVar aggregate classification (germline): Uncertain significance. Review status: criteria provided, multiple submitters, no conflicts (2 of 4 stars). 3 submissions from 3 submitters: Uncertain significance (3). Last evaluated 2024-08-19.

Allele frequency attached by ClinVar (database versions not stated): ExAC 0.00001.
gnomAD v4.1: 27 of 1,614,030 alleles (0.0017%); highest among the groups gnomAD compares: African/African-American, 0.0027%; no homozygotes.

Submissions (3):

Labcorp Genetics (formerly Invitae), Labcorp
Classification: Uncertain significance. Last evaluated: 2024-08-19. Review status: criteria provided, single submitter. Criteria: Invitae Variant Classification Sherloc (09022015). Collection method: clinical testing. Allele origin: germline.
Comment: This sequence change replaces tryptophan, which is neutral and slightly polar, with arginine, which is basic and polar, at codon 439 of the LIPC protein (p.Trp439Arg). This variant is present in population databases (rs373806357, gnomAD 0.003%). This missense change has been observed in individual(s) with suspected genetic dyslipidemia (PMID: 32041611, 36325899). ClinVar contains an entry for this variant (Variation ID: 1706158). An algorithm developed to predict the effect of missense changes on protein structure and function (PolyPhen-2) suggests that this variant is likely to be disruptive. In summary, the available evidence is currently insufficient to determine the role of this variant in disease. Therefore, it has been classified as a Variant of Uncertain Significance.

Ambry Genetics
Classification: Uncertain significance. Last evaluated: 2023-12-17. Review status: criteria provided, single submitter. Criteria: Ambry Variant Classification Scheme 2023. Collection method: clinical testing. Allele origin: germline.

GeneDx
Classification: Uncertain significance. Last evaluated: 2022-03-17. Review status: criteria provided, single submitter. Criteria: GeneDx Variant Classification Process June 2021. Collection method: clinical testing. Allele origin: germline. Affected: yes.
Comment: Not observed at significant frequency in large population cohorts (gnomAD); In silico analysis supports that this missense variant has a deleterious effect on protein structure/function; Has not been previously published as pathogenic or benign to our knowledge

Literature cited by the submitters: PubMed 32041611 (cited by Labcorp Genetics (formerly Invitae), Labcorp); PubMed 36325899 (cited by Labcorp Genetics (formerly Invitae), Labcorp).